The following is an entry in ClinVar:

ClinVar aggregate classification (germline): Uncertain significance. Review status: criteria provided, multiple submitters, no conflicts (2 of 4 stars). 2 submissions from 2 submitters: Uncertain significance (2). Last evaluated 2023-05-23.

Conditions:
Cardiovascular phenotype. Identifiers: MedGen CN230736.

Allele frequency attached by ClinVar (database versions not stated): gnomAD exomes below 0.00001.
gnomAD v4.1: 5 of 1,612,792 alleles (0.00031%); highest among the groups gnomAD compares: Non-Finnish European, 0.00042%; no homozygotes.

Submissions (2):

Women's Health and Genetics/Laboratory Corporation of America, LabCorp
Classification: Uncertain significance. Last evaluated: 2023-05-23. Review status: criteria provided, single submitter. Criteria: LabCorp Variant Classification Summary - May 2015. Collection method: clinical testing. Allele origin: germline.
Comment: Variant summary: TTN c.39529G>A (p.Glu13177Lys) results in a conservative amino acid change located in the A-band region of the encoded protein sequence. Two of four in-silico tools predict a benign effect of the variant on protein function. The variant was absent in 248108 control chromosomes (gnomAD). The available data on variant occurrences in the general population are insufficient to allow any conclusion about variant significance. To our knowledge, no occurrence of c.39529G>A in individuals affected with Dilated Cardiomyopathy and no experimental evidence demonstrating its impact on protein function have been reported. One clinical diagnostic laboratory has submitted clinical-significance assessments for this variant to ClinVar after 2014 and classified the variant as uncertain significance. Based on the evidence outlined above, the variant was classified as uncertain significance.

Ambry Genetics
Classification: Uncertain significance for Cardiovascular phenotype. Last evaluated: 2019-06-28. Review status: criteria provided, single submitter. Criteria: Ambry Variant Classification Scheme 2023. Collection method: clinical testing. Allele origin: germline.
Comment: The p.E6680K variant (also known as c.20038G>A), located in coding exon 79 of the TTN gene, results from a G to A substitution at nucleotide position 20038. The glutamic acid at codon 6680 is replaced by lysine, an amino acid with similar properties. This amino acid position is highly conserved in available vertebrate species. In addition, this alteration is predicted to be tolerated by in silico analysis. Since supporting evidence is limited at this time, the clinical significance of this alteration remains unclear.

NM_001267550.2(TTN):c.47233G>A (p.Glu15745Lys)

Genes: TTN (titin; minus strand), TTN-AS1 (TTN antisense RNA 1; plus strand). Cytogenetic location: 2q31.2.
Variant type: single nucleotide variant.
Coding change: c.47233G>A on transcript NM_001267550.2 (MANE Select); coding-DNA position 47233, G replaced by A.
Protein change: p.Glu15745Lys; replaces glutamic acid 15745 with lysine.
Molecular consequence: missense variant.
Genome position (GRCh38, 1-based): chr2:178,618,225, C>T on the plus strand (G>A on the coding strand, the complement: TTN is on the minus strand). VCF-style: chr2-178618225-C-T. GRCh37 (hg19) VCF-style: chr2-179482952-C-T.
Other names: c.42310G>A, p.Glu14104Lys (NM_001256850.1); c.20038G>A, p.Glu6680Lys (NM_003319.4); c.39529G>A, p.Glu13177Lys (NM_133378.4); c.20413G>A, p.Glu6805Lys (NM_133432.3); c.20614G>A, p.Glu6872Lys (NM_133437.4); short protein forms E14104K, E15745K, E6680K, E6872K, E13177K, E6805K.
Identifiers: ClinVar variation 1784274 (VCV001784274.3), dbSNP rs2470892577, ClinGen allele CA349618857.
Genomic context (GRCh38, chr2:178,618,225, plus strand): 5'-TTGAATTTACTTAAAACTTCTTACCATATTTACTCCTTGCTTCTACAGGATTGTCAGTTT[C>T]TACTGGCTCACCAGTGCCAACTCTGTTTCTTGCACTCACACGGAATAGGTACTCAACTCC-3'
Protein context (NP_001254479.2, residues 15735-15755): RNRVGTGEPV[Glu15745Lys]TDNPVEARSK